The following is an entry in ClinVar:

ClinVar aggregate classification (germline): Uncertain significance. Review status: criteria provided, multiple submitters, no conflicts (2 of 4 stars). 3 submissions from 3 submitters: Uncertain significance (3). Last evaluated 2022-06-27.

Conditions:
Donnai-Barrow syndrome. Also called: DBS/FOAR SYNDROME; FACIOOCULOACOUSTICORENAL SYNDROME. Identifiers: Orphanet 2143, MedGen C1857277, MONDO:0009104, OMIM 222448.

Allele frequency attached by ClinVar (database versions not stated): gnomAD 0.00003 and 0.00004; TOPMed 0.00003; ExAC 0.00004; gnomAD exomes 0.00004.
gnomAD v4.1: 35 of 1,613,552 alleles (0.0022%); highest among the groups gnomAD compares: African/African-American, 0.0093%; no homozygotes.

Submissions (3):

Labcorp Genetics (formerly Invitae), Labcorp
Classification: Uncertain significance. Last evaluated: 2022-06-27. Review status: criteria provided, single submitter. Criteria: Invitae Variant Classification Sherloc (09022015). Collection method: clinical testing. Allele origin: germline.
Comment: This sequence change replaces serine, which is neutral and polar, with leucine, which is neutral and non-polar, at codon 1217 of the LRP2 protein (p.Ser1217Leu). This variant is present in population databases (rs768863475, gnomAD 0.01%). This variant has not been reported in the literature in individuals affected with LRP2-related conditions. Advanced modeling of protein sequence and biophysical properties (such as structural, functional, and spatial information, amino acid conservation, physicochemical variation, residue mobility, and thermodynamic stability) performed at Invitae indicates that this missense variant is expected to disrupt LRP2 protein function. In summary, the available evidence is currently insufficient to determine the role of this variant in disease. Therefore, it has been classified as a Variant of Uncertain Significance.

Fulgent Genetics
Classification: Uncertain significance for Donnai-Barrow syndrome. Last evaluated: 2022-05-19. Review status: criteria provided, single submitter. Criteria: ACMG Guidelines, 2015. Collection method: clinical testing. Allele origin: unknown.

Blueprint Genetics
Classification: Uncertain significance. Last evaluated: 2021-08-09. Review status: criteria provided, single submitter. Criteria: ACMG Guidelines, 2015. Collection method: clinical testing. Allele origin: germline.

NM_004525.3(LRP2):c.3650C>T (p.Ser1217Leu)

Gene: LRP2 (LDL receptor related protein 2; minus strand). Cytogenetic location: 2q31.1.
Variant type: single nucleotide variant.
Coding change: c.3650C>T on transcript NM_004525.3 (MANE Select); coding-DNA position 3650, C replaced by T.
Protein change: p.Ser1217Leu; replaces serine 1217 with leucine.
Molecular consequence: missense variant.
Genome position (GRCh38, 1-based): chr2:169,242,973, G>A on the plus strand (C>T on the coding strand, the complement: LRP2 is on the minus strand). VCF-style: chr2-169242973-G-A. GRCh37 (hg19) VCF-style: chr2-170099483-G-A.
Other names: short protein forms S1217L.
Identifiers: ClinVar variation 1374296 (VCV001374296.5), dbSNP rs768863475, ClinGen allele CA1954982.